The following is an entry in ClinVar:

ClinVar aggregate classification (germline): Likely benign (0 of 4 stars; one submission).

Conditions:
MAP3K15-related disorder. Also called: MAP3K15-related condition.

Allele frequency attached by ClinVar (database versions not stated): TOPMed 0.00012; ExAC 0.00013; gnomAD 0.00014; ESP Exome Variant Server 0.00028.
gnomAD v4.1: 188 of 1,202,611 alleles (0.016%); highest among the groups gnomAD compares: Middle Eastern, 0.14%; no homozygotes.

Submission:

PreventionGenetics, part of Exact Sciences
Classification: Likely benign for MAP3K15-related condition. Last evaluated: 2019-06-13. Review status: no assertion criteria provided. Collection method: clinical testing. Allele origin: germline.
Comment: This variant is classified as likely benign based on ACMG/AMP sequence variant interpretation guidelines (Richards et al. 2015 PMID: 25741868, with internal and published modifications).

NM_001001671.4(MAP3K15):c.1710C>T (p.His570=)

Gene: MAP3K15 (mitogen-activated protein kinase kinase kinase 15; minus strand). Cytogenetic location: Xp22.12.
Variant type: single nucleotide variant.
Coding change: c.1710C>T on transcript NM_001001671.4 (MANE Select); coding-DNA position 1710, C replaced by T.
Protein change: p.His570=; no amino-acid change (histidine 570 retained).
Molecular consequence: synonymous variant.
Genome position (GRCh38, 1-based): chrX:19,409,962, G>A on the plus strand (C>T on the coding strand, the complement: MAP3K15 is on the minus strand). VCF-style: chrX-19409962-G-A. GRCh37 (hg19) VCF-style: chrX-19428080-G-A.
Identifiers: ClinVar variation 3038873 (VCV003038873.2), dbSNP rs369231619, ClinGen allele CA10363980.